The following is an entry in ClinVar:

NM_003718.5(CDK13):c.1163G>A (p.Ser388Asn)

Gene: CDK13 (cyclin dependent kinase 13; plus strand). Cytogenetic location: 7p14.1.
Variant type: single nucleotide variant.
Coding change: c.1163G>A on transcript NM_003718.5 (MANE Select); coding-DNA position 1163, G replaced by A.
Protein change: p.Ser388Asn; replaces serine 388 with asparagine.
Molecular consequence: missense variant.
Genome position (GRCh38, 1-based): chr7:39,951,804, G>A. VCF-style: chr7-39951804-G-A. GRCh37 (hg19) VCF-style: chr7-39991403-G-A.
Other names: c.1163G>A, p.Ser388Asn (NM_031267.4); short protein forms S388N.
Identifiers: ClinVar variation 2286572 (VCV002286572.4), dbSNP rs1203101412, ClinGen allele CA367311762.

ClinVar aggregate classification (germline): Uncertain significance. Review status: criteria provided, multiple submitters, no conflicts (2 of 4 stars). 2 submissions from 2 submitters: Uncertain significance (2). Last evaluated 2025-06-12.

Conditions:
Inborn genetic diseases. Identifiers: MedGen C0950123, MeSH D030342.

Allele frequency attached by ClinVar (database versions not stated): gnomAD exomes 0.00001; TOPMed below 0.00001.
gnomAD v4.1: 9 of 1,450,302 alleles (0.00062%); highest among the groups gnomAD compares: Admixed American, 0.008%; no homozygotes.

Submissions (2):

Labcorp Genetics (formerly Invitae), Labcorp
Classification: Uncertain significance. Last evaluated: 2025-06-12. Review status: criteria provided, single submitter. Criteria: Invitae Variant Classification Sherloc (09022015). Collection method: clinical testing. Allele origin: germline.
Comment: This sequence change replaces serine, which is neutral and polar, with asparagine, which is neutral and polar, at codon 388 of the CDK13 protein (p.Ser388Asn). The frequency data for this variant in the population databases is considered unreliable, as metrics indicate poor data quality at this position in the gnomAD database. This variant has not been reported in the literature in individuals affected with CDK13-related conditions. ClinVar contains an entry for this variant (Variation ID: 2286572). Invitae Evidence Modeling of protein sequence and biophysical properties (such as structural, functional, and spatial information, amino acid conservation, physicochemical variation, residue mobility, and thermodynamic stability) indicates that this missense variant is not expected to disrupt CDK13 protein function with a negative predictive value of 95%. In summary, the available evidence is currently insufficient to determine the role of this variant in disease. Therefore, it has been classified as a Variant of Uncertain Significance.

Ambry Genetics
Classification: Uncertain significance for Inborn genetic diseases. Last evaluated: 2022-04-28. Review status: criteria provided, single submitter. Criteria: Ambry Variant Classification Scheme 2023. Collection method: clinical testing. Allele origin: germline.